The following is an entry in ClinVar:

ClinVar aggregate classification (germline): Uncertain significance. Review status: criteria provided, multiple submitters, no conflicts (2 of 4 stars). 2 submissions from 2 submitters: Uncertain significance (2). Last evaluated 2025-03-10.

Conditions:
Inborn genetic diseases. Identifiers: MedGen C0950123, MeSH D030342.
Progressive myoclonic epilepsy. Also called: Myoclonic Epilepsies, Progressive; Familial progressive myoclonic epilepsy; Myoclonus epilepsy; Progressive myoclonus epilepsy. Identifiers: Orphanet 308, Orphanet 98261, MedGen C0751778, MONDO:0020074.

Allele frequency attached by ClinVar (database versions not stated): gnomAD exomes below 0.00001; TOPMed below 0.00001.
gnomAD v4.1: 2 of 1,613,880 alleles (0.00012%); highest among the groups gnomAD compares: Admixed American, 0.0017%; no homozygotes.

Submissions (2):

Labcorp Genetics (formerly Invitae), Labcorp
Classification: Uncertain significance for Progressive myoclonic epilepsy. Last evaluated: 2025-03-10. Review status: criteria provided, single submitter. Criteria: Invitae Variant Classification Sherloc (09022015). Collection method: clinical testing. Allele origin: germline.
Comment: This sequence change replaces methionine, which is neutral and non-polar, with threonine, which is neutral and polar, at codon 193 of the GOSR2 protein (p.Met193Thr). This variant is present in population databases (no rsID available, gnomAD 0.003%). This variant has not been reported in the literature in individuals affected with GOSR2-related conditions. ClinVar contains an entry for this variant (Variation ID: 1463496). An algorithm developed to predict the effect of missense changes on protein structure and function (PolyPhen-2) suggests that this variant is likely to be tolerated. In summary, the available evidence is currently insufficient to determine the role of this variant in disease. Therefore, it has been classified as a Variant of Uncertain Significance.

Ambry Genetics
Classification: Uncertain significance for Inborn genetic diseases. Last evaluated: 2017-12-14. Review status: criteria provided, single submitter. Criteria: Ambry Variant Classification Scheme 2023. Collection method: clinical testing. Allele origin: germline.
Comment: The p.M193T variant (also known as c.578T>C), located in coding exon 6 of the GOSR2 gene, results from a T to C substitution at nucleotide position 578. The methionine at codon 193 is replaced by threonine, an amino acid with similar properties. This amino acid position is highly conserved in available vertebrate species. In addition, this alteration is predicted to be deleterious by in silico analysis. Since supporting evidence is limited at this time, the clinical significance of this alteration remains unclear.

NM_004287.5(GOSR2):c.578T>C (p.Met193Thr)

Genes: GOSR2 (golgi SNAP receptor complex member 2; plus strand), LRRC37A2 (leucine rich repeat containing 37 member A2). Cytogenetic location: 17q21.32.
Variant type: single nucleotide variant.
Coding change: c.578T>C on transcript NM_004287.5 (MANE Select); coding-DNA position 578, T replaced by C.
Protein change: p.Met193Thr; replaces methionine 193 with threonine.
Molecular consequence: missense variant. On other transcripts: non-coding transcript variant (3).
Genome position (GRCh38, 1-based): chr17:46,938,699, T>C. VCF-style: chr17-46938699-T-C. GRCh37 (hg19) VCF-style: chr17-45016065-T-C.
Other names: c.578T>C, p.Met193Thr (NM_001321133.2, NM_054022.4); c.383T>C, p.Met128Thr (NM_001321134.2); c.437T>C, p.Met146Thr (NM_001330252.2); c.575T>C, p.Met192Thr (NM_001353114.2); c.434T>C, p.Met145Thr (NM_001353115.2, NM_001353116.2); c.524T>C, p.Met175Thr (NM_001363851.2); short protein forms M192T, M145T, M146T, M175T, M193T, M128T.
Identifiers: ClinVar variation 1463496 (VCV001463496.8), dbSNP rs1328118330, ClinGen allele CA400019121.